The following is an entry in ClinVar:

NM_000051.4(ATM):c.5006A>G (p.Glu1669Gly)

Gene: ATM (ATM serine/threonine kinase; plus strand). Cytogenetic location: 11q22.3.
Variant type: single nucleotide variant.
Coding change: c.5006A>G on transcript NM_000051.4 (MANE Select); coding-DNA position 5006, A replaced by G.
Protein change: p.Glu1669Gly; replaces glutamic acid 1669 with glycine.
Molecular consequence: missense variant.
Genome position (GRCh38, 1-based): chr11:108,299,714, A>G. VCF-style: chr11-108299714-A-G. GRCh37 (hg19) VCF-style: chr11-108170441-A-G.
Other names: c.5006A>G, p.Glu1669Gly (NM_001351834.2); short protein forms E1669G.
Identifiers: ClinVar variation 4825534 (VCV004825534.1).

ClinVar aggregate classification (germline): Uncertain significance (1 of 4 stars; one submission).

Conditions:
Hereditary cancer-predisposing syndrome. Also called: Neoplastic Syndromes, Hereditary; Tumor predisposition; Hereditary Cancer Syndrome; Hereditary neoplastic syndrome. Identifiers: Orphanet 140162, MedGen C0027672, MeSH D009386, MONDO:0015356.

Submission:

Ambry Genetics
Classification: Uncertain significance for Hereditary cancer-predisposing syndrome. Last evaluated: 2026-02-26. Review status: criteria provided, single submitter. Criteria: Ambry Variant Classification Scheme 2023. Collection method: clinical testing. Allele origin: germline.
Comment: The p.E1669G variant (also known as c.5006A>G) is located in coding exon 33 of the ATM gene. The glutamic acid at codon 1669 is replaced by glycine, an amino acid with similar properties. This change occurs in the first base pair of coding exon 33. In an assay testing ATM function, this variant showed a functionally normal result (Lee KS et al. Cell, 2025 Sep;188:5081-5099.e27). This amino acid position is highly conserved in available vertebrate species. In addition, this alteration is predicted to be deleterious by in silico analysis. Based on the available evidence, the clinical significance of this variant remains unclear.

Literature cited by the submitters: PubMed 40580951.